The following is an entry in ClinVar:

ClinVar aggregate classification (germline): Uncertain significance (1 of 4 stars; one submission).

Conditions:
Hereditary pancreatitis (PCTT). Also called: Hereditary chronic pancreatitis; PRSS1-Related Hereditary Pancreatitis. Identifiers: Orphanet 676, MedGen C0238339, MONDO:0008185, OMIM 167800.

Submission:

Ambry Genetics
Classification: Uncertain significance for Hereditary pancreatitis. Last evaluated: 2023-06-01. Review status: criteria provided, single submitter. Criteria: Ambry Variant Classification Scheme 2023. Collection method: clinical testing. Allele origin: germline.
Comment: The p.V69F variant (also known as c.205G>T), located in coding exon 3 of the CTRC gene, results from a G to T substitution at nucleotide position 205. The valine at codon 69 is replaced by phenylalanine, an amino acid with highly similar properties. This amino acid position is conserved. In addition, this alteration is predicted to be deleterious by in silico analysis. Since supporting evidence is limited at this time, the clinical significance of this alteration remains unclear.

NM_007272.3(CTRC):c.205G>T (p.Val69Phe)

Gene: CTRC (chymotrypsin C; plus strand). Cytogenetic location: 1p36.21.
Variant type: single nucleotide variant.
Coding change: c.205G>T on transcript NM_007272.3 (MANE Select); coding-DNA position 205, G replaced by T.
Protein change: p.Val69Phe; replaces valine 69 with phenylalanine.
Molecular consequence: missense variant.
Genome position (GRCh38, 1-based): chr1:15,440,565, G>T. VCF-style: chr1-15440565-G-T. GRCh37 (hg19) VCF-style: chr1-15767061-G-T.
Other names: short protein forms V69F.
Identifiers: ClinVar variation 2564433 (VCV002564433.2), dbSNP rs760911831, ClinGen allele CA338565097.